The following is an entry in ClinVar:

ClinVar aggregate classification (germline): Uncertain significance (1 of 4 stars; one submission).

Submission:

Labcorp Genetics (formerly Invitae), Labcorp
Classification: Uncertain significance. Last evaluated: 2025-10-21. Review status: criteria provided, single submitter. Criteria: Invitae Variant Classification Sherloc (09022015). Collection method: clinical testing. Allele origin: germline.
Comment: This sequence change replaces cysteine, which is neutral and slightly polar, with phenylalanine, which is neutral and non-polar, at codon 146 of the NR2F1 protein (p.Cys146Phe). This variant is not present in population databases (gnomAD no frequency). This variant has not been reported in the literature in individuals affected with NR2F1-related conditions. Invitae Evidence Modeling of protein sequence and biophysical properties (such as structural, functional, and spatial information, amino acid conservation, physicochemical variation, residue mobility, and thermodynamic stability) indicates that this missense variant is expected to disrupt NR2F1 protein function with a positive predictive value of 95%. This variant disrupts the p.Cys146 amino acid residue in NR2F1. Other variant(s) that disrupt this residue have been observed in individuals with NR2F1-related conditions (PMID: 26986877, 35791240), which suggests that this may be a clinically significant amino acid residue. In summary, the available evidence is currently insufficient to determine the role of this variant in disease. Therefore, it has been classified as a Variant of Uncertain Significance.

Literature cited by the submitters: PubMed 26986877; PubMed 35791240.

NM_005654.6(NR2F1):c.437G>T (p.Cys146Phe)

Genes: NR2F1 (nuclear receptor subfamily 2 group F member 1; plus strand), NR2F1-AS1 (NR2F1 regulatory antisense RNA 1; minus strand). Cytogenetic location: 5q15.
Variant type: single nucleotide variant.
Coding change: c.437G>T on transcript NM_005654.6 (MANE Select); coding-DNA position 437, G replaced by T.
Protein change: p.Cys146Phe; replaces cysteine 146 with phenylalanine.
Molecular consequence: missense variant. On other transcripts: non-coding transcript variant (8).
Genome position (GRCh38, 1-based): chr5:93,585,460, G>T. VCF-style: chr5-93585460-G-T. GRCh37 (hg19) VCF-style: chr5-92921166-G-T.
Other names: short protein forms C146F.
Identifiers: ClinVar variation 4709998 (VCV004709998.1).